The following is an entry in ClinVar:

NM_002495.4(NDUFS4):c.191T>G (p.Leu64Ter)

Gene: NDUFS4 (NADH:ubiquinone oxidoreductase subunit S4; plus strand). Cytogenetic location: 5q11.2.
Variant type: single nucleotide variant.
Coding change: c.191T>G on transcript NM_002495.4 (MANE Select); coding-DNA position 191, T replaced by G.
Protein change: p.Leu64Ter; replaces leucine 64 with a stop codon.
Molecular consequence: nonsense. On other transcripts: non-coding transcript variant (3).
Genome position (GRCh38, 1-based): chr5:53,646,246, T>G. VCF-style: chr5-53646246-T-G. GRCh37 (hg19) VCF-style: chr5-52942076-T-G.
Other names: c.191T>G, p.Leu64Ter (NM_001318051.2); short protein forms L64*.
Identifiers: ClinVar variation 5013357 (VCV005013357.1).

ClinVar aggregate classification (germline): Pathogenic (1 of 4 stars; one submission).

Conditions:
Mitochondrial complex I deficiency, nuclear type 1. Also called: NADH-COENZYME Q REDUCTASE DEFICIENCY; MITOCHONDRIAL NADH DEHYDROGENASE COMPONENT OF COMPLEX I, DEFICIENCY OF. Identifiers: MedGen C6022305, MONDO:0100224, OMIM 252010.

Submission:

Myriad Genetics, Inc.
Classification: Pathogenic for Mitochondrial complex I deficiency, nuclear type 1. Last evaluated: 2024-07-24. Review status: criteria provided, single submitter. Criteria: Myriad Autosomal Dominant, Autosomal Recessive and X-Linked Classification Criteria (2023). Collection method: clinical testing. Allele origin: unknown.
Comment: NM_002495.2(NDUFS4):c.191T>G(L64*) is expected to be pathogenic in the context of mitochondrial complex I deficiency, NDUFS4-related. This variant is predicted to lead to an abnormal or absent protein product due to the creation of a premature termination codon in NDUFS4, a gene where loss-of-function variants are known to be pathogenic. Please note: this variant was assessed in the context of healthy population screening.